The following is an entry in ClinVar:

NM_000057.4(BLM):c.208G>A (p.Asp70Asn)

Gene: BLM (BLM RecQ like helicase; plus strand). Cytogenetic location: 15q26.1.
Variant type: single nucleotide variant.
Coding change: c.208G>A on transcript NM_000057.4 (MANE Select); coding-DNA position 208, G replaced by A.
Protein change: p.Asp70Asn; replaces aspartic acid 70 with asparagine.
Molecular consequence: missense variant. On other transcripts: 5 prime UTR variant (1).
Genome position (GRCh38, 1-based): chr15:90,749,476, G>A. VCF-style: chr15-90749476-G-A. GRCh37 (hg19) VCF-style: chr15-91292706-G-A.
Other names: c.208G>A, p.Asp70Asn (NM_001287246.2, NM_001287247.2); c.-1084G>A (NM_001287248.2); short protein forms D70N.
Identifiers: ClinVar variation 524758 (VCV000524758.17), dbSNP rs769957028, ClinGen allele CA7738260.
Genomic context (GRCh38, chr15:90,749,476, plus strand): 5'-ACTAATGTGTCAGTAGCAAAAACACCTGTATTAAGAAATAAAGATGTTAATGTTACCGAA[G>A]ACTTTTCCTTCAGTGAACCTCTACCCAACACCACAAATCAGCAAAGGGTCAAGGACTTCT-3'
Protein context (NP_000048.1, residues 60-80): LRNKDVNVTE[Asp70Asn]FSFSEPLPNT

ClinVar aggregate classification (germline): Uncertain significance. Review status: criteria provided, multiple submitters, no conflicts (2 of 4 stars). 7 submissions from 7 submitters: Uncertain significance (6). 1 of the submissions does not count toward it. Last evaluated 2025-11-22.

Conditions:
Hereditary cancer-predisposing syndrome. Also called: Neoplastic Syndromes, Hereditary; Hereditary neoplastic syndrome; Tumor predisposition; Hereditary Cancer Syndrome. Identifiers: Orphanet 140162, MedGen C0027672, MeSH D009386, MONDO:0015356.
Bloom syndrome (BLM). Also called: Bloom-Torre-Machacek syndrome. Identifiers: Orphanet 125, MedGen C0005859, MONDO:0008876, OMIM 210900.

Allele frequency attached by ClinVar (database versions not stated): ExAC 0.00002.
gnomAD v4.1: 5 of 1,613,732 alleles (0.00031%); highest among the groups gnomAD compares: Non-Finnish European, 0.00042%; no homozygotes.

Submissions (7):

Labcorp Genetics (formerly Invitae), Labcorp
Classification: Uncertain significance for Bloom syndrome. Last evaluated: 2025-11-22. Review status: criteria provided, single submitter. Criteria: Invitae Variant Classification Sherloc (09022015). Collection method: clinical testing. Allele origin: germline.
Comment: This sequence change replaces aspartic acid, which is acidic and polar, with asparagine, which is neutral and polar, at codon 70 of the BLM protein (p.Asp70Asn). This variant is present in population databases (rs769957028, gnomAD 0.002%). This variant has not been reported in the literature in individuals affected with BLM-related conditions. ClinVar contains an entry for this variant (Variation ID: 524758). An algorithm developed to predict the effect of missense changes on protein structure and function (PolyPhen-2) suggests that this variant is likely to be tolerated. RNA analysis performed to evaluate the impact of this missense change on mRNA splicing indicates it does not significantly alter splicing (internal data). In summary, the available evidence is currently insufficient to determine the role of this variant in disease. Therefore, it has been classified as a Variant of Uncertain Significance.

Quest Diagnostics Nichols Institute San Juan Capistrano
Classification: Uncertain significance. Last evaluated: 2025-06-11. Review status: criteria provided, single submitter. Criteria: Quest Diagnostics criteria. Collection method: clinical testing. Allele origin: unknown.
Comment: The BLM c.208G>A (p.Asp70Asn) variant has not been reported in individuals with BLM-related conditions in the published literature. The frequency of this variant in the general population (Genome Aggregation Database) is uninformative in the assessment of its pathogenicity. Analysis of this variant using bioinformatics tools for the prediction of the effect of amino acid changes on protein structure and function yielded predictions that this variant is benign. Based on the available information, we are unable to determine the clinical significance of this variant.

Fulgent Genetics
Classification: Uncertain significance for Bloom syndrome. Last evaluated: 2024-06-21. Review status: criteria provided, single submitter. Criteria: ACMG Guidelines, 2015. Collection method: clinical testing. Allele origin: germline.

Ambry Genetics
Classification: Uncertain significance for Hereditary cancer-predisposing syndrome. Last evaluated: 2024-03-15. Review status: criteria provided, single submitter. Criteria: Ambry Variant Classification Scheme 2023. Collection method: clinical testing. Allele origin: germline.
Comment: The p.D70N variant (also known as c.208G>A), located in coding exon 2 of the BLM gene, results from a G to A substitution at nucleotide position 208. The aspartic acid at codon 70 is replaced by asparagine, an amino acid with highly similar properties. This amino acid position is poorly conserved in available vertebrate species. In addition, this alteration is predicted to be tolerated by in silico analysis. Since supporting evidence is limited at this time, the clinical significance of this alteration remains unclear.

GeneDx
Classification: Uncertain significance. Last evaluated: 2023-12-27. Review status: criteria provided, single submitter. Criteria: GeneDx Variant Classification Process June 2021. Collection method: clinical testing. Allele origin: germline. Affected: yes.
Comment: In silico analysis suggests this variant may impact gene splicing. In the absence of RNA/functional studies, the actual effect of this sequence change is unknown.; In silico analysis supports that this missense variant does not alter protein structure/function; Has not been previously published as pathogenic or benign to our knowledge; Not observed at significant frequency in large population cohorts (gnomAD)

Sema4
Classification: Uncertain significance for Hereditary cancer-predisposing syndrome. Last evaluated: 2021-10-19. Review status: criteria provided, single submitter. Criteria: Sema4 Curation Guidelines. Collection method: curation. Allele origin: germline.
Comment: The BLM c.208G>A (p.D70N) variant has not been reported in the literature to our knowledge. It was observed in 2/113564 chromosomes of the Non-Finnish European subpopulation in the large and broad cohorts of the Genome Aggregation Database (PMID: 32461654). The variant has been reported in ClinVar (Variation ID 524758). In silico tools suggest the impact of the variant on protein function is benign, though these predictions have not been confirmed by functional studies. The evidence is insufficient to meet ACMG/AMP criteria for classifying the variant as benign or pathogenic. Thus, the clinical significance of this variant is currently uncertain.

Natera, Inc.
Classification: Uncertain significance for Bloom syndrome. Last evaluated: 2020-09-16. Review status: no assertion criteria provided. Collection method: clinical testing. Allele origin: germline. Not counted in ClinVar's aggregate classification.